The following is an entry in ClinVar:

ClinVar aggregate classification (germline): Likely benign (1 of 4 stars; one submission).

Submission:

CeGaT Center for Human Genetics Tuebingen
Classification: Likely benign. Last evaluated: 2022-06-01. Review status: criteria provided, single submitter. Criteria: CeGaT Center For Human Genetics Tuebingen Variant Classification Criteria Version 2. Collection method: clinical testing. Allele origin: germline. Affected: yes. Observed: 1 variant allele.
Comment: TBC1D7: BP4, BP7

NM_016495.6(TBC1D7):c.447C>T (p.Val149=)

Genes: TBC1D7 (TBC1 domain family member 7; minus strand), TBC1D7-LOC100130357 (TBC1D7-LOC100130357 readthrough; minus strand). Cytogenetic location: 6p24.1.
Variant type: single nucleotide variant.
Coding change: c.447C>T on transcript NM_016495.6 (MANE Select); coding-DNA position 447, C replaced by T.
Protein change: p.Val149=; no amino-acid change (valine 149 retained).
Molecular consequence: synonymous variant. On other transcripts: non-coding transcript variant (1), intron variant (1).
Genome position (GRCh38, 1-based): chr6:13,316,643, G>A on the plus strand (C>T on the coding strand, the complement: TBC1D7 is on the minus strand). VCF-style: chr6-13316643-G-A. GRCh37 (hg19) VCF-style: chr6-13316875-G-A.
Other names: c.447C>T, p.Val149= (NM_001318809.2, NM_001143964.4, NM_001143965.4 and 1 more transcripts); c.366C>T, p.Val122= (NM_001143966.4); c.381+4265C>T (NM_001258457.3).
Identifiers: ClinVar variation 2656243 (VCV002656243.24), dbSNP rs768742269, ClinGen allele CA134824622.